The following is an entry in ClinVar:

NM_000245.4(MET):c.2446A>G (p.Lys816Glu)

Gene: MET (MET proto-oncogene, receptor tyrosine kinase; plus strand). Cytogenetic location: 7q31.2.
Variant type: single nucleotide variant.
Coding change: c.2446A>G on transcript NM_000245.4 (MANE Select); coding-DNA position 2446, A replaced by G.
Protein change: p.Lys816Glu; replaces lysine 816 with glutamic acid.
Molecular consequence: missense variant.
Genome position (GRCh38, 1-based): chr7:116,763,131, A>G. VCF-style: chr7-116763131-A-G. GRCh37 (hg19) VCF-style: chr7-116403185-A-G.
Other names: c.2500A>G, p.Lys834Glu (NM_001127500.3); c.2446A>G, p.Lys816Glu (NM_001324401.3); c.1156A>G, p.Lys386Glu (NM_001324402.2); short protein forms K386E, K816E, K834E.
Identifiers: ClinVar variation 2567703 (VCV002567703.2), dbSNP rs2485741303, ClinGen allele CA368983222.

ClinVar aggregate classification (germline): Uncertain significance (1 of 4 stars; one submission).

Conditions:
Hereditary cancer-predisposing syndrome. Also called: Hereditary neoplastic syndrome; Hereditary Cancer Syndrome; Neoplastic Syndromes, Hereditary; Tumor predisposition. Identifiers: Orphanet 140162, MedGen C0027672, MeSH D009386, MONDO:0015356.

Submission:

Ambry Genetics
Classification: Uncertain significance for Hereditary cancer-predisposing syndrome. Last evaluated: 2023-05-15. Review status: criteria provided, single submitter. Criteria: Ambry Variant Classification Scheme 2023. Collection method: clinical testing. Allele origin: germline.
Comment: The p.K834E variant (also known as c.2500A>G), located in coding exon 10 of the MET gene, results from an A to G substitution at nucleotide position 2500. The lysine at codon 834 is replaced by glutamic acid, an amino acid with similar properties. This amino acid position is conserved. In addition, this alteration is predicted to be tolerated by in silico analysis. Since supporting evidence is limited at this time, the clinical significance of this alteration remains unclear.